The following is an entry in ClinVar:

ClinVar aggregate classification (germline): Uncertain significance. Review status: criteria provided, multiple submitters, no conflicts (2 of 4 stars). 4 submissions from 4 submitters: Uncertain significance (3). 1 of the submissions does not count toward it. Last evaluated 2024-09-05.

Conditions:
Primary ciliary dyskinesia 9. Also called: CILIARY DYSKINESIA, PRIMARY, 9, WITH OR WITHOUT SITUS INVERSUS. Identifiers: Orphanet 244, MedGen C2676235, MONDO:0012906, OMIM 612444.
Primary ciliary dyskinesia. Also called: Ciliary dyskinesia. Identifiers: Orphanet 244, MedGen C0008780, MONDO:0016575, HP:0012265.

Allele frequency attached by ClinVar (database versions not stated): ExAC 0.00002; gnomAD exomes 0.00002; gnomAD 0.00003; TOPMed 0.00003.
gnomAD v4.1: 25 of 1,613,876 alleles (0.0015%); highest among the groups gnomAD compares: East Asian, 0.0067%; no homozygotes.

Submissions (4):

Labcorp Genetics (formerly Invitae), Labcorp
Classification: Uncertain significance for Primary ciliary dyskinesia. Last evaluated: 2024-09-05. Review status: criteria provided, single submitter. Criteria: Invitae Variant Classification Sherloc (09022015). Collection method: clinical testing. Allele origin: germline.
Comment: This sequence change replaces aspartic acid, which is acidic and polar, with asparagine, which is neutral and polar, at codon 197 of the DNAI2 protein (p.Asp197Asn). This variant is present in population databases (rs761171314, gnomAD 0.005%). This variant has not been reported in the literature in individuals affected with DNAI2-related conditions. ClinVar contains an entry for this variant (Variation ID: 454938). Invitae Evidence Modeling of protein sequence and biophysical properties (such as structural, functional, and spatial information, amino acid conservation, physicochemical variation, residue mobility, and thermodynamic stability) indicates that this missense variant is not expected to disrupt DNAI2 protein function with a negative predictive value of 80%. In summary, the available evidence is currently insufficient to determine the role of this variant in disease. Therefore, it has been classified as a Variant of Uncertain Significance.

Ambry Genetics
Classification: Uncertain significance for Primary ciliary dyskinesia. Last evaluated: 2023-05-24. Review status: criteria provided, single submitter. Criteria: Ambry Variant Classification Scheme 2023. Collection method: clinical testing. Allele origin: germline.

Fulgent Genetics
Classification: Uncertain significance for Primary ciliary dyskinesia 9. Last evaluated: 2022-02-25. Review status: criteria provided, single submitter. Criteria: ACMG Guidelines, 2015. Collection method: clinical testing. Allele origin: unknown.

Natera, Inc.
Classification: Uncertain significance for Primary ciliary dyskinesia. Last evaluated: 2020-09-16. Review status: no assertion criteria provided. Collection method: clinical testing. Allele origin: germline. Not counted in ClinVar's aggregate classification.

NM_023036.6(DNAI2):c.589G>A (p.Asp197Asn)

Gene: DNAI2 (dynein axonemal intermediate chain 2; plus strand). Cytogenetic location: 17q25.1.
Variant type: single nucleotide variant.
Coding change: c.589G>A on transcript NM_023036.6 (MANE Select); coding-DNA position 589, G replaced by A.
Protein change: p.Asp197Asn; replaces aspartic acid 197 with asparagine.
Molecular consequence: missense variant. On other transcripts: non-coding transcript variant (1).
Genome position (GRCh38, 1-based): chr17:74,289,715, G>A. VCF-style: chr17-74289715-G-A. GRCh37 (hg19) VCF-style: chr17-72285854-G-A.
Other names: c.589G>A, p.Asp197Asn (NM_001172810.3, NM_001353167.2); short protein forms D197N.
Identifiers: ClinVar variation 454938 (VCV000454938.9), dbSNP rs761171314, ClinGen allele CA8745398.